The following is an entry in ClinVar:

ClinVar aggregate classification (germline): Uncertain significance (1 of 4 stars; one submission).

Conditions:
Hereditary cancer-predisposing syndrome. Also called: Neoplastic Syndromes, Hereditary; Tumor predisposition; Hereditary neoplastic syndrome; Hereditary Cancer Syndrome. Identifiers: Orphanet 140162, MedGen C0027672, MeSH D009386, MONDO:0015356.

Submission:

Ambry Genetics
Classification: Uncertain significance for Hereditary cancer-predisposing syndrome. Last evaluated: 2026-09-04. Review status: criteria provided, single submitter. Criteria: Ambry Variant Classification Scheme 2023. Collection method: clinical testing. Allele origin: germline.
Comment: The p.I2548M variant (also known as c.7644T>G), located in coding exon 51 of the ATM gene, results from a T to G substitution at nucleotide position 7644. The isoleucine at codon 2548 is replaced by methionine, an amino acid with highly similar properties. In an assay testing ATM function, this variant showed a functionally normal result (Lee KS et al. Cell, 2025 Sep;188:5081-5099.e27). This amino acid position is well conserved in available vertebrate species. In addition, the in silico prediction for this alteration is inconclusive. Based on the available evidence, the clinical significance of this variant remains unclear.

Literature cited by the submitters: PubMed 40580951.

NM_000051.4(ATM):c.7644T>G (p.Ile2548Met)

Genes: ATM (ATM serine/threonine kinase; plus strand), C11orf65 (chromosome 11 open reading frame 65; minus strand). Cytogenetic location: 11q22.3.
Variant type: single nucleotide variant.
Coding change: c.7644T>G on transcript NM_000051.4 (MANE Select); coding-DNA position 7644, T replaced by G.
Protein change: p.Ile2548Met; replaces isoleucine 2548 with methionine.
Molecular consequence: missense variant. On other transcripts: intron variant (2).
Genome position (GRCh38, 1-based): chr11:108,331,893, T>G. VCF-style: chr11-108331893-T-G. GRCh37 (hg19) VCF-style: chr11-108202620-T-G.
Other names: c.7644T>G, p.Ile2548Met (NM_001351834.2); c.641-22822A>C (NM_001330368.2); c.*38+3327A>C (NM_001351110.2); short protein forms I2548M.
Identifiers: ClinVar variation 5032322 (VCV005032322.1).